The following is an entry in ClinVar:

ClinVar aggregate classification (germline): Uncertain significance (1 of 4 stars; one submission).

Submission:

GeneDx
Classification: Uncertain significance. Last evaluated: 2024-12-11. Review status: criteria provided, single submitter. Criteria: GeneDx Variant Classification Process June 2021. Collection method: clinical testing. Allele origin: germline. Affected: yes.
Comment: Not observed at significant frequency in large population cohorts (gnomAD); In silico analysis supports that this missense variant has a deleterious effect on protein structure/function; Has not been previously published as pathogenic or benign to our knowledge

NM_206933.4(USH2A):c.141G>T (p.Lys47Asn)

Gene: USH2A (usherin; minus strand). Cytogenetic location: 1q41.
Variant type: single nucleotide variant.
Coding change: c.141G>T on transcript NM_206933.4 (MANE Select); coding-DNA position 141, G replaced by T.
Protein change: p.Lys47Asn; replaces lysine 47 with asparagine.
Molecular consequence: missense variant.
Genome position (GRCh38, 1-based): chr1:216,422,196, C>A on the plus strand (G>T on the coding strand, the complement: USH2A is on the minus strand). VCF-style: chr1-216422196-C-A. GRCh37 (hg19) VCF-style: chr1-216595538-C-A.
Other names: c.141G>T, p.Lys47Asn (NM_007123.6); short protein forms K47N.
Identifiers: ClinVar variation 3903380 (VCV003903380.1).